The following is an entry in ClinVar:

ClinVar aggregate classification (germline): Pathogenic (1 of 4 stars; one submission).

Conditions:
Neurofibromatosis, type 1 (NF1). Also called: NEUROFIBROMATOSIS, TYPE I, SOMATIC; VON RECKLINGHAUSEN DISEASE; Peripheral type neurofibromatosis; Neurofibromatosis, type I. Identifiers: Orphanet 636, MedGen C0027831, MONDO:0018975, OMIM 162200. Disease mechanism: loss of function.

Submission:

Labcorp Genetics (formerly Invitae), Labcorp
Classification: Pathogenic for Neurofibromatosis, type 1. Last evaluated: 2025-06-20. Review status: criteria provided, single submitter. Criteria: Invitae Variant Classification Sherloc (09022015). Collection method: clinical testing. Allele origin: germline.
Comment: This sequence change creates a premature translational stop signal (p.Leu2309Phefs*16) in the NF1 gene. It is expected to result in an absent or disrupted protein product. Loss-of-function variants in NF1 are known to be pathogenic (PMID: 10712197, 23913538). This variant is not present in population databases (gnomAD no frequency). This variant has not been reported in the literature in individuals affected with NF1-related conditions. For these reasons, this variant has been classified as Pathogenic.

Literature cited by the submitters: PubMed 10712197; PubMed 23913538.

NM_001042492.3(NF1):c.6990del (p.Leu2330fs)

Gene: NF1 (neurofibromin 1; plus strand). Cytogenetic location: 17q11.2.
Variant type: Deletion.
Coding change: c.6990del on transcript NM_001042492.3 (MANE Select); coding-DNA position 6990, one base deleted (G; older notation c.6990delG).
Protein change: p.Leu2330fs; shifts the reading frame from leucine 2330.
Molecular consequence: frameshift variant.
Genome position (GRCh38, 1-based): chr17:31,340,573, G deleted. VCF-style (leftmost placement, unchanged base first): chr17-31340572-TG-T. GRCh37 (hg19) VCF-style: chr17-29667590-TG-T.
Other names: c.6927del, p.Leu2309fs (NM_000267.4); short protein forms L2330fs, L2309fs.
Identifiers: ClinVar variation 4720812 (VCV004720812.1).